The following is an entry in ClinVar:

ClinVar aggregate classification (germline): Likely pathogenic (1 of 4 stars; one submission).

Conditions:
Anauxetic dysplasia. Identifiers: Orphanet 93347, MedGen C1846796, MONDO:0011773.

Allele frequency attached by ClinVar (database versions not stated): gnomAD 0.00001.

Submission:

Labcorp Genetics (formerly Invitae), Labcorp
Classification: Likely pathogenic for Anauxetic dysplasia. Last evaluated: 2020-10-15. Review status: criteria provided, single submitter. Criteria: Invitae Variant Classification Sherloc (09022015). Collection method: clinical testing. Allele origin: germline.
Comment: This variant occurs in the RMRP gene, which encodes an RNA molecule that does not result in a protein product. The frequency data for this variant in the population databases is considered unreliable, as metrics indicate insufficient coverage at this position in the ExAC database. While this particular variant has not been reported in the literature, it is located in the promoter region between the TATA box and the transcription initiation site, and other insertions and duplications immediately upstream of the coding sequence have been reported in individuals affected with cartilage-hair hypoplasia-anauxetic dysplasia (CHH-AD) spectrum disorders (PMID: 16244706, 11207361, 12107819). While functional studies for this variant have not been reported, experimental analyses using patient derived cells, as well as in vitro transfection studies, have shown that promoter insertions result in silencing of RMRP transcription and reduced expression of the gene product (PMID: 11207361, 16254002). In summary, the currently available evidence indicates that the variant is pathogenic, but additional data are needed to prove that conclusively. Therefore, this variant has been classified as Likely Pathogenic.

Literature cited by the submitters: PubMed 16244706; PubMed 11207361; PubMed 12107819; PubMed 16254002.

NC_000009.12:g.35658029_35658058dup

Gene: RMRP (RNA component of mitochondrial RNA processing endoribonuclease; minus strand). Cytogenetic location: 9p13.3.
Variant type: Duplication.
Genome position: GRCh38 VCF-style: chr9-35658028-G-GCTTCACAGAGTAGTATTTTATAGCCCTAAA. GRCh37 (hg19) VCF-style: chr9-35658025-G-GCTTCACAGAGTAGTATTTTATAGCCCTAAA.
Identifiers: ClinVar variation 1066170 (VCV001066170.1), dbSNP rs1823643256, ClinGen allele CA1123199954.